The following is an entry in ClinVar:

NM_005188.4(CBL):c.645C>G (p.Ile215Met)

Gene: CBL (Cbl proto-oncogene; plus strand). Cytogenetic location: 11q23.3.
Variant type: single nucleotide variant.
Coding change: c.645C>G on transcript NM_005188.4 (MANE Select); coding-DNA position 645, C replaced by G.
Protein change: p.Ile215Met; replaces isoleucine 215 with methionine.
Molecular consequence: missense variant.
Genome position (GRCh38, 1-based): chr11:119,273,922, C>G. VCF-style: chr11-119273922-C-G. GRCh37 (hg19) VCF-style: chr11-119144632-C-G.
Other names: short protein forms I215M.
Identifiers: ClinVar variation 3996041 (VCV003996041.2).
Genomic context (GRCh38, chr11:119,273,922, plus strand): 5'-CCCCAGGACAATAGTCCCTTGGAAGAGCTTTCGACAGGCTCTACATGAAGTGCATCCCAT[C>G]AGTTCTGGGCTGGAGGCCATGGCTCTGAAATCCACTATTGATCTGACCTGCAATGATTAT-3'
Protein context (NP_005179.2, residues 205-225): FRQALHEVHP[Ile215Met]SSGLEAMALK

ClinVar aggregate classification (germline): Uncertain significance. Review status: criteria provided, multiple submitters, no conflicts (2 of 4 stars). 2 submissions from 2 submitters: Uncertain significance (2). Last evaluated 2025-12-16.

Conditions:
RASopathy. Also called: Noonan spectrum disorder; rasopathies. Identifiers: Orphanet 536391, MedGen C5555857, MONDO:0021060.
Cardiovascular phenotype. Identifiers: MedGen CN230736.

Submissions (2):

Labcorp Genetics (formerly Invitae), Labcorp
Classification: Uncertain significance for RASopathy. Last evaluated: 2025-12-16. Review status: criteria provided, single submitter. Criteria: Invitae Variant Classification Sherloc (09022015). Collection method: clinical testing. Allele origin: germline.
Comment: This sequence change replaces isoleucine, which is neutral and non-polar, with methionine, which is neutral and non-polar, at codon 215 of the CBL protein (p.Ile215Met). This variant is not present in population databases (gnomAD no frequency). This variant has not been reported in the literature in individuals affected with CBL-related conditions. ClinVar contains an entry for this variant (Variation ID: 3996041). Invitae Evidence Modeling of protein sequence and biophysical properties (such as structural, functional, and spatial information, amino acid conservation, physicochemical variation, residue mobility, and thermodynamic stability) indicates that this missense variant is not expected to disrupt CBL protein function with a negative predictive value of 95%. In summary, the available evidence is currently insufficient to determine the role of this variant in disease. Therefore, it has been classified as a Variant of Uncertain Significance.

Ambry Genetics
Classification: Uncertain significance for Cardiovascular phenotype. Last evaluated: 2025-05-02. Review status: criteria provided, single submitter. Criteria: Ambry Variant Classification Scheme 2023. Collection method: clinical testing. Allele origin: germline.
Comment: The p.I215M variant (also known as c.645C>G), located in coding exon 4 of the CBL gene, results from a C to G substitution at nucleotide position 645. The isoleucine at codon 215 is replaced by methionine, an amino acid with highly similar properties. This amino acid position is conserved. In addition, the in silico prediction for this alteration is inconclusive. Based on the available evidence, the clinical significance of this variant remains unclear.